The following is an entry in ClinVar:

NM_004393.6(DAG1):c.1801G>C (p.Gly601Arg)

Gene: DAG1 (dystroglycan 1; plus strand). Cytogenetic location: 3p21.31.
Variant type: single nucleotide variant.
Coding change: c.1801G>C on transcript NM_004393.6 (MANE Select); coding-DNA position 1801, G replaced by C.
Protein change: p.Gly601Arg; replaces glycine 601 with arginine.
Molecular consequence: missense variant.
Genome position (GRCh38, 1-based): chr3:49,532,312, G>C. VCF-style: chr3-49532312-G-C. GRCh37 (hg19) VCF-style: chr3-49569745-G-C.
Other names: c.1801G>C, p.Gly601Arg (NM_001165928.4, NM_001177634.3, NM_001177635.3 and 9 more transcripts); short protein forms G601R.
Identifiers: ClinVar variation 2940807 (VCV002940807.3), dbSNP rs2051376858, ClinGen allele CA352796176.

ClinVar aggregate classification (germline): Uncertain significance (1 of 4 stars; one submission).

Conditions:
Autosomal recessive limb-girdle muscular dystrophy type 2P. Also called: MUSCULAR DYSTROPHY-DYSTROGLYCANOPATHY, LIMB-GIRDLE, DAG1-RELATED; MUSCULAR DYSTROPHY, LIMB-GIRDLE, TYPE 2P; Limb-Girdle Muscular Dystrophy Type 9C. Identifiers: Orphanet 280333, MedGen C4511963, MONDO:0013440, OMIM 613818.
Muscular dystrophy-dystroglycanopathy (congenital with brain and eye anomalies), type A9. Also called: WALKER-WARBURG SYNDROME OR MUSCLE-EYE BRAIN DISEASE, DAG1-RELATED; Muscular dystrophy-dystroglycanopathy (congenital with brain and eye anomalies), type a, 9. Identifiers: Orphanet 370997, Orphanet 899, MedGen C4225291, MONDO:0014683, OMIM 616538.

Allele frequency attached by ClinVar (database versions not stated): TOPMed below 0.00001.

Submission:

Labcorp Genetics (formerly Invitae), Labcorp
Classification: Uncertain significance for Autosomal recessive limb-girdle muscular dystrophy type 2P; Muscular dystrophy-dystroglycanopathy (congenital with brain and eye anomalies), type A9. Last evaluated: 2022-11-01. Review status: criteria provided, single submitter. Criteria: Invitae Variant Classification Sherloc (09022015). Collection method: clinical testing. Allele origin: germline.
Comment: This variant has not been reported in the literature in individuals affected with DAG1-related conditions. This sequence change replaces glycine, which is neutral and non-polar, with arginine, which is basic and polar, at codon 601 of the DAG1 protein (p.Gly601Arg). This variant is not present in population databases (gnomAD no frequency). Advanced modeling of protein sequence and biophysical properties (such as structural, functional, and spatial information, amino acid conservation, physicochemical variation, residue mobility, and thermodynamic stability) performed at Invitae indicates that this missense variant is not expected to disrupt DAG1 protein function. In summary, the available evidence is currently insufficient to determine the role of this variant in disease. Therefore, it has been classified as a Variant of Uncertain Significance.